The following is an entry in ClinVar:

ClinVar aggregate classification (germline): Uncertain significance (1 of 4 stars; one submission).

Conditions:
Familial hemophagocytic lymphohistiocytosis 3 (FHL3). Also called: UNC13D-Related Familial Hemophagocytic Lymphohistiocytosis (UNC13D-fHLH). Identifiers: Orphanet 540, MedGen C1837174, MONDO:0012146, OMIM 608898.

Submission:

Labcorp Genetics (formerly Invitae), Labcorp
Classification: Uncertain significance for Familial hemophagocytic lymphohistiocytosis 3. Last evaluated: 2025-07-31. Review status: criteria provided, single submitter. Criteria: Invitae Variant Classification Sherloc (09022015). Collection method: clinical testing. Allele origin: germline.
Comment: This sequence change replaces glycine, which is neutral and non-polar, with glutamic acid, which is acidic and polar, at codon 912 of the UNC13D protein (p.Gly912Glu). This variant is not present in population databases (gnomAD no frequency). This missense change has been observed in individual(s) with clinical features of hemophagocytic lymphohistiocytosis (internal data). In at least one individual the data is consistent with being in trans (on the opposite chromosome) from a pathogenic variant. Invitae Evidence Modeling of protein sequence and biophysical properties (such as structural, functional, and spatial information, amino acid conservation, physicochemical variation, residue mobility, and thermodynamic stability) indicates that this missense variant is expected to disrupt UNC13D protein function with a positive predictive value of 80%. In summary, the available evidence is currently insufficient to determine the role of this variant in disease. Therefore, it has been classified as a Variant of Uncertain Significance.

NM_199242.3(UNC13D):c.2735G>A (p.Gly912Glu)

Genes: UNC13D (unc-13 homolog D; minus strand), LOC112533672 (Sharpr-MPRA regulatory region 1193; plus strand). Cytogenetic location: 17q25.1.
Variant type: single nucleotide variant.
Coding change: c.2735G>A on transcript NM_199242.3 (MANE Select); coding-DNA position 2735, G replaced by A.
Protein change: p.Gly912Glu; replaces glycine 912 with glutamic acid.
Molecular consequence: missense variant.
Genome position (GRCh38, 1-based): chr17:75,830,457, C>T on the plus strand (G>A on the coding strand, the complement: UNC13D is on the minus strand). VCF-style: chr17-75830457-C-T. GRCh37 (hg19) VCF-style: chr17-73826538-C-T.
Other names: short protein forms G912E.
Identifiers: ClinVar variation 4746689 (VCV004746689.1).